The following is an entry in ClinVar:

ClinVar aggregate classification (germline): Pathogenic (1 of 4 stars; one submission).

Conditions:
Hereditary hemorrhagic telangiectasia (HHT). Also called: ORW DISEASE; Osler Weber Rendu syndrome; OSLER-RENDU-WEBER DISEASE; Osler hemorrhagic telangiectasia syndrome. Identifiers: Orphanet 774, MedGen C0039445, MONDO:0019180. Disease mechanism: loss of function.

Submission:

Labcorp Genetics (formerly Invitae), Labcorp
Classification: Pathogenic for Hereditary hemorrhagic telangiectasia. Last evaluated: 2023-09-13. Review status: criteria provided, single submitter. Criteria: Invitae Variant Classification Sherloc (09022015). Collection method: clinical testing. Allele origin: germline.
Comment: For these reasons, this variant has been classified as Pathogenic. This variant has not been reported in the literature in individuals affected with ENG-related conditions. This variant is not present in population databases (gnomAD no frequency). This sequence change creates a premature translational stop signal (p.Glu79Glyfs*70) in the ENG gene. It is expected to result in an absent or disrupted protein product. Loss-of-function variants in ENG are known to be pathogenic (PMID: 15879500).

Literature cited by the submitters: PubMed 15879500.

NM_001114753.3(ENG):c.233dup (p.Glu79fs)

Gene: ENG (endoglin; minus strand). Cytogenetic location: 9q34.11.
Variant type: Duplication.
Coding change: c.233dup on transcript NM_001114753.3 (MANE Select); coding-DNA position 233, one base duplicated (T; older notation c.233dupT).
Protein change: p.Glu79fs; shifts the reading frame from glutamic acid 79.
Molecular consequence: frameshift variant. On other transcripts: 5 prime UTR variant (1).
Genome position (GRCh38, 1-based): chr9:127,829,814, A duplicated on the plus strand (T on the coding strand, the reverse complement: ENG is on the minus strand). VCF-style (leftmost placement, unchanged base first): chr9-127829813-C-CA. GRCh37 (hg19) VCF-style: chr9-130592092-C-CA.
Other names: c.233dup, p.Glu79fs (NM_000118.4, NM_001406715.1); c.-314dup (NM_001278138.2); short protein forms E79fs.
Identifiers: ClinVar variation 2760498 (VCV002760498.3), dbSNP rs2539083352, ClinGen allele CA2697558073.